The following is an entry in ClinVar:

ClinVar aggregate classification (germline): Likely pathogenic (1 of 4 stars; one submission).

Conditions:
MYH3-related disorder. Also called: MYH3-Related Disorders; MYH3-related condition. Identifiers: MedGen CN239329.

Submission:

PreventionGenetics, part of Exact Sciences
Classification: Likely pathogenic for MYH3-related condition. Last evaluated: 2024-11-26. Review status: criteria provided, single submitter. Criteria: ACMG Guidelines, 2015. Collection method: clinical testing. Allele origin: germline.
Comment: The MYH3 c.2401G>T variant is predicted to result in premature protein termination (p.Glu801*). To our knowledge, this variant has not been reported in the literature. This variant is reported in 0.00088% of alleles in individuals of European (Non-Finnish) descent in gnomAD. Nonsense variants in MYH3 are expected to be pathogenic. This variant is interpreted as likely pathogenic.

NM_002470.4(MYH3):c.2401G>T (p.Glu801Ter)

Gene: MYH3 (myosin heavy chain 3; minus strand). Cytogenetic location: 17p13.1.
Variant type: single nucleotide variant.
Coding change: c.2401G>T on transcript NM_002470.4 (MANE Select); coding-DNA position 2401, G replaced by T.
Protein change: p.Glu801Ter; replaces glutamic acid 801 with a stop codon.
Molecular consequence: nonsense.
Genome position (GRCh38, 1-based): chr17:10,640,358, C>A on the plus strand (G>T on the coding strand, the complement: MYH3 is on the minus strand). VCF-style: chr17-10640358-C-A. GRCh37 (hg19) VCF-style: chr17-10543675-C-A.
Other names: short protein forms E801*.
Identifiers: ClinVar variation 5001041 (VCV005001041.1).
Genomic context (GRCh38, chr17:10,640,358, plus strand): 5'-AAAGAGCTCATGTCTGAACAAAGACCCTGCTGGACCTCCTCTGCACCATCTTCTGGAATT[C>A]CACACGCATGAGGAACCCTCTGCACACAGCTTGTGTCCGGGTGATTAGTTTGGCCAGGCG-3'